The following is an entry in ClinVar:

ClinVar aggregate classification (germline): Pathogenic (1 of 4 stars; one submission).

Conditions:
Familial cancer of breast. Also called: Hereditary breast cancer; hereditary breast carcinoma; BREAST CANCER, FAMILIAL. Identifiers: Orphanet 227535, MedGen C0346153, MONDO:0016419, OMIM 114480. Disease mechanism: loss of function.

Submission:

Myriad Genetics, Inc.
Classification: Pathogenic for Familial cancer of breast. Last evaluated: 2025-02-06. Review status: criteria provided, single submitter. Criteria: Myriad Autosomal Dominant, Autosomal Recessive and X-Linked Classification Criteria (2023). Collection method: clinical testing. Allele origin: unknown.
Comment: This variant is considered pathogenic. This variant creates a frameshift predicted to result in premature protein truncation.

NM_000465.4(BARD1):c.41dup (p.Arg15fs)

Gene: BARD1 (BRCA1 associated RING domain 1; minus strand). Cytogenetic location: 2q35.
Variant type: Duplication.
Coding change: c.41dup on transcript NM_000465.4 (MANE Select); coding-DNA position 41, one base duplicated (T; older notation c.41dupT).
Protein change: p.Arg15fs; shifts the reading frame from arginine 15.
Molecular consequence: frameshift variant. On other transcripts: non-coding transcript variant (3).
Genome position (GRCh38, 1-based): chr2:214,809,529, A duplicated on the plus strand (T on the coding strand, the reverse complement: BARD1 is on the minus strand). VCF-style (leftmost placement, unchanged base first): chr2-214809528-G-GA. GRCh37 (hg19) VCF-style: chr2-215674252-G-GA.
Other names: c.41dup, p.Arg15fs (NM_001282543.2, NM_001282545.2, NM_001282548.2 and 1 more transcripts); short protein forms R15fs.
Identifiers: ClinVar variation 3904718 (VCV003904718.1).